The following is an entry in ClinVar:

ClinVar aggregate classification (germline): Likely pathogenic (1 of 4 stars; one submission).

Submission:

GeneDx
Classification: Likely pathogenic. Last evaluated: 2025-10-06. Review status: criteria provided, single submitter. Criteria: GeneDx Variant Classification Process June 2021. Collection method: clinical testing. Allele origin: germline.
Comment: Nonsense variant predicted to result in protein truncation or nonsense mediated decay in a gene for which loss of function is a known mechanism of disease; Not observed at significant frequency in large population cohorts (gnomAD); Has not been previously published as pathogenic or benign to our knowledge

NM_001005273.3(CHD3):c.2458A>T (p.Lys820Ter)

Gene: CHD3 (chromodomain helicase DNA binding protein 3; plus strand). Cytogenetic location: 17p13.1.
Variant type: single nucleotide variant.
Coding change: c.2458A>T on transcript NM_001005273.3 (MANE Select); coding-DNA position 2458, A replaced by T.
Protein change: p.Lys820Ter; replaces lysine 820 with a stop codon.
Molecular consequence: nonsense.
Genome position (GRCh38, 1-based): chr17:7,899,457, A>T. VCF-style: chr17-7899457-A-T. GRCh37 (hg19) VCF-style: chr17-7802775-A-T.
Other names: c.2635A>T, p.Lys879Ter (NM_001005271.3); c.2458A>T, p.Lys820Ter (NM_005852.4); short protein forms K820*, K879*.
Identifiers: ClinVar variation 3774961 (VCV003774961.2).